The following is an entry in ClinVar:

NM_000137.4(FAH):c.190C>T (p.Gln64Ter)

Gene: FAH (fumarylacetoacetate hydrolase; plus strand). Cytogenetic location: 15q25.1.
Variant type: single nucleotide variant.
Coding change: c.190C>T on transcript NM_000137.4 (MANE Select); coding-DNA position 190, C replaced by T.
Protein change: p.Gln64Ter; replaces glutamine 64 with a stop codon.
Molecular consequence: nonsense.
Genome position (GRCh38, 1-based): chr15:80,158,168, C>T. VCF-style: chr15-80158168-C-T. GRCh37 (hg19) VCF-style: chr15-80450510-C-T.
Other names: c.190C>T, p.Gln64Ter (NM_001374377.1, NM_001374380.1); short protein forms Q64*.
Identifiers: ClinVar variation 5013685 (VCV005013685.1).

ClinVar aggregate classification (germline): Pathogenic (1 of 4 stars; one submission).

Conditions:
Tyrosinemia type I (TYRSN1). Also called: FAH DEFICIENCY; HEPATORENAL TYROSINEMIA; Tyrosinemia type 1; Fumarylacetoacetase deficiency; Deficiency of fumarylacetoacetase. Identifiers: Orphanet 882, MedGen C0268490, MONDO:0010161, OMIM 276700. Disease mechanism: loss of function.

gnomAD v4.1: 1 of 1,606,602 alleles (0.000062%); highest among the groups gnomAD compares: Non-Finnish European, 0.000085%; no homozygotes.

Submission:

Myriad Genetics, Inc.
Classification: Pathogenic for Tyrosinemia type I. Last evaluated: 2024-10-29. Review status: criteria provided, single submitter. Criteria: Myriad Autosomal Dominant, Autosomal Recessive and X-Linked Classification Criteria (2023). Collection method: clinical testing. Allele origin: unknown.
Comment: NM_000137.2(FAH):c.190C>T(Q64*) is expected to be pathogenic in the context of tyrosinemia type I. This variant is predicted to lead to an abnormal or absent protein product due to the creation of a premature termination codon in FAH, a gene where loss-of-function variants are known to be pathogenic. Please note: this variant was assessed in the context of healthy population screening.